The following is an entry in ClinVar:

NM_004082.5(DCTN1):c.2221G>C (p.Asp741His)

Gene: DCTN1 (dynactin subunit 1; minus strand). Cytogenetic location: 2p13.1.
Variant type: single nucleotide variant.
Coding change: c.2221G>C on transcript NM_004082.5 (MANE Select); coding-DNA position 2221, G replaced by C.
Protein change: p.Asp741His; replaces aspartic acid 741 with histidine.
Molecular consequence: missense variant. On other transcripts: non-coding transcript variant (1).
Genome position (GRCh38, 1-based): chr2:74,367,384, C>G on the plus strand (G>C on the coding strand, the complement: DCTN1 is on the minus strand). VCF-style: chr2-74367384-C-G. GRCh37 (hg19) VCF-style: chr2-74594511-C-G.
Other names: c.2161G>C, p.Asp721His (NM_001135040.3); c.1819G>C, p.Asp607His (NM_001135041.3, NM_023019.4); c.2110G>C, p.Asp704His (NM_001190836.2); c.2200G>C, p.Asp734His (NM_001190837.2); c.2170G>C, p.Asp724His (NM_001378991.1); c.2152G>C, p.Asp718His (NM_001378992.1); short protein forms D607H, D718H, D721H, D704H, D724H, D734H, D741H.
Identifiers: ClinVar variation 2952306 (VCV002952306.1), dbSNP rs746414153, ClinGen allele CA347349685.

ClinVar aggregate classification (germline): Uncertain significance (1 of 4 stars; one submission).

Conditions:
Amyotrophic lateral sclerosis type 1 (ALS1). Also called: AMYOTROPHIC LATERAL SCLEROSIS 1, FAMILIAL. Identifiers: Orphanet 803, MedGen C1862939, MONDO:0007103, OMIM 105400.
Neuronopathy, distal hereditary motor, type 7B. Also called: Distal Hereditary Motor Neuronopathy Type 7B (dHMN7B); HMN VIIB; NEURONOPATHY, DISTAL HEREDITARY MOTOR, AUTOSOMAL DOMINANT 14; NEURONOPATHY, DISTAL HEREDITARY MOTOR, HARDING TYPE VIIB; NEUROPATHY, DISTAL HEREDITARY MOTOR, HARDING TYPE VIIB; NEUROPATHY, DISTAL HEREDITARY MOTOR, WITH VOCAL CORD PARALYSIS, HARDING TYPE VIIB. Identifiers: Orphanet 139589, MedGen C1843315, MONDO:0011879, OMIM 607641.
Perry syndrome. Also called: PARKINSONISM WITH ALVEOLAR HYPOVENTILATION AND MENTAL DEPRESSION. Identifiers: Orphanet 178509, MedGen C1868594, MONDO:0008201, OMIM 168605.

gnomAD v4.1: 6 of 1,614,002 alleles (0.00037%); highest among the groups gnomAD compares: Non-Finnish European, 0.00051%; no homozygotes.

Submission:

Labcorp Genetics (formerly Invitae), Labcorp
Classification: Uncertain significance for Amyotrophic lateral sclerosis type 1; Neuronopathy, distal hereditary motor, type 7B; Perry syndrome. Last evaluated: 2023-05-16. Review status: criteria provided, single submitter. Criteria: Invitae Variant Classification Sherloc (09022015). Collection method: clinical testing. Allele origin: germline.
Comment: In summary, the available evidence is currently insufficient to determine the role of this variant in disease. Therefore, it has been classified as a Variant of Uncertain Significance. Advanced modeling of protein sequence and biophysical properties (such as structural, functional, and spatial information, amino acid conservation, physicochemical variation, residue mobility, and thermodynamic stability) has been performed at Invitae for this missense variant, however the output from this modeling did not meet the statistical confidence thresholds required to predict the impact of this variant on DCTN1 protein function. This variant has not been reported in the literature in individuals affected with DCTN1-related conditions. This variant is not present in population databases (gnomAD no frequency). This sequence change replaces aspartic acid, which is acidic and polar, with histidine, which is basic and polar, at codon 741 of the DCTN1 protein (p.Asp741His).